The following is an entry in ClinVar:

ClinVar aggregate classification (germline): Uncertain significance (1 of 4 stars; one submission).

Conditions:
EGFR-related lung cancer (EGFR). Identifiers: MedGen CN130014.

Allele frequency attached by ClinVar (database versions not stated): ExAC 0.00001; ESP Exome Variant Server 0.00008.
gnomAD v4.1: 2 of 1,614,118 alleles (0.00012%); highest among the groups gnomAD compares: African/African-American, 0.0013%; no homozygotes.

Submission:

Labcorp Genetics (formerly Invitae), Labcorp
Classification: Uncertain significance for EGFR-related lung cancer. Last evaluated: 2024-01-09. Review status: criteria provided, single submitter. Criteria: Invitae Variant Classification Sherloc (09022015). Collection method: clinical testing. Allele origin: germline.
Comment: This sequence change replaces glutamine, which is neutral and polar, with proline, which is neutral and non-polar, at codon 1173 of the EGFR protein (p.Gln1173Pro). This variant is present in population databases (rs147896627, gnomAD 0.007%). This variant has not been reported in the literature in individuals affected with EGFR-related conditions. An algorithm developed to predict the effect of missense changes on protein structure and function (PolyPhen-2) suggests that this variant is likely to be disruptive. In summary, the available evidence is currently insufficient to determine the role of this variant in disease. Therefore, it has been classified as a Variant of Uncertain Significance.

NM_005228.5(EGFR):c.3518A>C (p.Gln1173Pro)

Gene: EGFR (epidermal growth factor receptor; plus strand). Cytogenetic location: 7p11.2.
Variant type: single nucleotide variant.
Coding change: c.3518A>C on transcript NM_005228.5 (MANE Select); coding-DNA position 3518, A replaced by C.
Protein change: p.Gln1173Pro; replaces glutamine 1173 with proline.
Molecular consequence: missense variant.
Genome position (GRCh38, 1-based): chr7:55,205,502, A>C. VCF-style: chr7-55205502-A-C. GRCh37 (hg19) VCF-style: chr7-55273195-A-C.
Other names: c.3383A>C, p.Gln1128Pro (NM_001346899.2); c.3359A>C, p.Gln1120Pro (NM_001346900.2); c.2717A>C, p.Gln906Pro (NM_001346941.2); short protein forms Q906P, Q1128P, Q1173P, Q1120P.
Identifiers: ClinVar variation 2985759 (VCV002985759.3), dbSNP rs147896627, ClinGen allele CA4266413.